The following is an entry in ClinVar:

NM_173546.3(KLHDC8B):c.848T>C (p.Ile283Thr)

Gene: KLHDC8B (kelch domain containing 8B; plus strand). Cytogenetic location: 3p21.31.
Variant type: single nucleotide variant.
Coding change: c.848T>C on transcript NM_173546.3 (MANE Select); coding-DNA position 848, T replaced by C.
Protein change: p.Ile283Thr; replaces isoleucine 283 with threonine.
Molecular consequence: missense variant.
Genome position (GRCh38, 1-based): chr3:49,175,143, T>C. VCF-style: chr3-49175143-T-C. GRCh37 (hg19) VCF-style: chr3-49212576-T-C.
Other names: short protein forms I283T.
Identifiers: ClinVar variation 4702019 (VCV004702019.1).
Genomic context (GRCh38, chr3:49,175,143, plus strand): 5'-GCAGCCTGCGCATGAGGGATAAGAGGGCAGACTTTGTGGTTGGGTCCCTTGGGGGCCACA[T>C]TGTGGCCATTGGGGGCCTTGGTAAGTCTCTATGGGGCTGGGGAGAGGAGGGAGTCCCAAG-3'
Protein context (NP_775817.1, residues 273-293): DFVVGSLGGH[Ile283Thr]VAIGGLGNQP

ClinVar aggregate classification (germline): Uncertain significance (1 of 4 stars; one submission).

gnomAD v4.1: 9 of 1,613,904 alleles (0.00056%); highest among the groups gnomAD compares: Admixed American, 0.0017%; no homozygotes.

Submission:

Labcorp Genetics (formerly Invitae), Labcorp
Classification: Uncertain significance. Last evaluated: 2025-04-02. Review status: criteria provided, single submitter. Criteria: Invitae Variant Classification Sherloc (09022015). Collection method: clinical testing. Allele origin: germline.
Comment: This sequence change replaces isoleucine, which is neutral and non-polar, with threonine, which is neutral and polar, at codon 283 of the KLHDC8B protein (p.Ile283Thr). This variant is present in population databases (no rsID available, gnomAD 0.003%). This variant has not been reported in the literature in individuals affected with KLHDC8B-related conditions. An algorithm developed to predict the effect of missense changes on protein structure and function (PolyPhen-2) suggests that this variant is likely to be tolerated. In summary, the available evidence is currently insufficient to determine the role of this variant in disease. Therefore, it has been classified as a Variant of Uncertain Significance.